The following is an entry in ClinVar:

NM_004281.4(BAG3):c.331_332del (p.Phe111fs)

Gene: BAG3 (BAG cochaperone 3; plus strand). Cytogenetic location: 10q26.11.
Variant type: Deletion.
Coding change: c.331_332del on transcript NM_004281.4 (MANE Select); coding-DNA positions 331 to 332, 2 bases deleted (TT; older notation c.331_332delTT).
Protein change: p.Phe111fs; shifts the reading frame from phenylalanine 111.
Molecular consequence: frameshift variant.
Genome position (GRCh38, 1-based): chr10:119,670,001-119,670,002, TT deleted; deleting any 2 consecutive bases within chr10:119,670,000-119,670,002 gives the same sequence; the c. name uses the placement nearest the transcript's 3' end. VCF-style (leftmost placement, unchanged base first): chr10-119669999-CTT-C. GRCh37 (hg19) VCF-style: chr10-121429511-CTT-C.
Other names: short protein forms F111fs.
Identifiers: ClinVar variation 1324087 (VCV001324087.7), dbSNP rs2134063372, ClinGen allele CA2573053242.

ClinVar aggregate classification (germline): Pathogenic (1 of 4 stars; one submission).

Conditions:
Myofibrillar myopathy 6. Identifiers: Orphanet 199340, MedGen C2751831, MONDO:0013061, OMIM 612954.
Dilated cardiomyopathy 1HH (CMD1HH). Identifiers: Orphanet 154, MedGen C3151293, MONDO:0013479, OMIM 613881.

Submission:

Labcorp Genetics (formerly Invitae), Labcorp
Classification: Pathogenic for Dilated cardiomyopathy 1HH; Myofibrillar myopathy 6. Last evaluated: 2024-10-10. Review status: criteria provided, single submitter. Criteria: Invitae Variant Classification Sherloc (09022015). Collection method: clinical testing. Allele origin: germline.
Comment: This sequence change creates a premature translational stop signal (p.Phe111Profs*14) in the BAG3 gene. It is expected to result in an absent or disrupted protein product. Loss-of-function variants in BAG3 are known to be pathogenic (PMID: 21353195, 25008357). This variant is not present in population databases (gnomAD no frequency). This variant has not been reported in the literature in individuals affected with BAG3-related conditions. ClinVar contains an entry for this variant (Variation ID: 1324087). For these reasons, this variant has been classified as Pathogenic.

Literature cited by the submitters: PubMed 21353195; PubMed 25008357.